The following is an entry in ClinVar:

ClinVar aggregate classification (germline): Uncertain significance (1 of 4 stars; one submission).

Allele frequency attached by ClinVar (database versions not stated): gnomAD 0.00001; TOPMed 0.00001.

Submission:

Labcorp Genetics (formerly Invitae), Labcorp
Classification: Uncertain significance. Last evaluated: 2021-11-04. Review status: criteria provided, single submitter. Criteria: Invitae Variant Classification Sherloc (09022015). Collection method: clinical testing. Allele origin: germline.
Comment: In summary, the available evidence is currently insufficient to determine the role of this variant in disease. Therefore, it has been classified as a Variant of Uncertain Significance. Algorithms developed to predict the effect of missense changes on protein structure and function are either unavailable or do not agree on the potential impact of this missense change (SIFT: "Deleterious"; PolyPhen-2: "Probably Damaging"; Align-GVGD: "Class C0"). This variant has not been reported in the literature in individuals affected with ERBIN-related conditions. This variant is present in population databases (no rsID available, gnomAD 0.01%). This sequence change replaces methionine, which is neutral and non-polar, with threonine, which is neutral and polar, at codon 1260 of the ERBIN protein (p.Met1260Thr).

NM_001253697.2(ERBIN):c.3779T>C (p.Met1260Thr)

Gene: ERBIN (erbb2 interacting protein; plus strand). Cytogenetic location: 5q12.3.
Variant type: single nucleotide variant.
Coding change: c.3779T>C on transcript NM_001253697.2 (MANE Select); coding-DNA position 3779, T replaced by C.
Protein change: p.Met1260Thr; replaces methionine 1260 with threonine.
Molecular consequence: missense variant. On other transcripts: intron variant (1).
Genome position (GRCh38, 1-based): chr5:66,075,046, T>C. VCF-style: chr5-66075046-T-C. GRCh37 (hg19) VCF-style: chr5-65370874-T-C.
Other names: c.3656T>C, p.Met1219Thr (NM_001253698.2, NM_018695.4); c.3800T>C, p.Met1267Thr (NM_001253699.2); c.3644T>C, p.Met1215Thr (NM_001253701.2); c.3634-1270T>C (NM_001006600.3); short protein forms M1260T, M1267T, M1215T, M1219T.
Identifiers: ClinVar variation 1349459 (VCV001349459.6), dbSNP rs1205373084, ClinGen allele CA359870948.